The following is an entry in ClinVar:

ClinVar aggregate classification (germline): Uncertain significance. Review status: criteria provided, multiple submitters, no conflicts (2 of 4 stars). 2 submissions from 2 submitters: Uncertain significance (2). Last evaluated 2024-04-26.

Conditions:
Trichohepatoenteric syndrome 1 (THES1). Also called: DIARRHEA, FATAL INFANTILE, WITH TRICHORRHEXIS NODOSA. Identifiers: Orphanet 84064, MedGen C4551982, MONDO:0024541, OMIM 222470.
Inborn genetic diseases. Identifiers: MedGen C0950123, MeSH D030342.

gnomAD v4.1: 15 of 1,613,104 alleles (0.00093%); highest among the groups gnomAD compares: East Asian, 0.029%; no homozygotes.

Submissions (2):

Ambry Genetics
Classification: Uncertain significance for Inborn genetic diseases. Last evaluated: 2024-04-26. Review status: criteria provided, single submitter. Criteria: Ambry Variant Classification Scheme 2023. Collection method: clinical testing. Allele origin: germline.

Juno Genomics, Hangzhou Juno Genomics, Inc
Classification: Uncertain significance for Trichohepatoenteric syndrome 1. Review status: criteria provided, single submitter. Criteria: ACMG Guidelines, 2015. Collection method: clinical testing. Allele origin: germline.
Comment: Absent from controls (or at extremely low frequency if recessive) in Genome Aggregation Database.;Multiple lines of computational evidence support a deleterious effect on the gene or gene product.

NM_014639.4(SKIC3):c.2597A>G (p.Asn866Ser)

Gene: SKIC3 (SKI3 subunit of superkiller complex; minus strand). Cytogenetic location: 5q15.
Variant type: single nucleotide variant.
Coding change: c.2597A>G on transcript NM_014639.4 (MANE Select); coding-DNA position 2597, A replaced by G.
Protein change: p.Asn866Ser; replaces asparagine 866 with serine.
Molecular consequence: missense variant.
Genome position (GRCh38, 1-based): chr5:95,516,390, T>C on the plus strand (A>G on the coding strand, the complement: SKIC3 is on the minus strand). VCF-style: chr5-95516390-T-C. GRCh37 (hg19) VCF-style: chr5-94852094-T-C.
Other names: short protein forms N866S.
Identifiers: ClinVar variation 3318717 (VCV003318717.3).
Genomic context (GRCh38, chr5:95,516,390, plus strand): 5'-TGACAGACAGGCAACATATTTACCTCAATGTTTTCATTTGTGAGGTATAACACTCCCAAG[T>C]TGGTCCATGCAACAGCATTCTAAAAAACATAACATTTTTTTTCTTAAAATAGGCCCCTTG-3'
Protein context (NP_055454.1, residues 856-876): SEQINAVAWT[Asn866Ser]LGVLYLTNEN